The following is an entry in ClinVar:

ClinVar aggregate classification (germline): Uncertain significance (1 of 4 stars; one submission).

Conditions:
Multiple endocrine neoplasia, type 1 (MEN1). Also called: MEA I; MEN I; WERMER SYNDROME; Endocrine adenomatosis multiple; MEN 1. Identifiers: Orphanet 652, MedGen C0025267, MeSH D018761, MONDO:0007540, OMIM 131100.

Submission:

Labcorp Genetics (formerly Invitae), Labcorp
Classification: Uncertain significance for Multiple endocrine neoplasia, type 1. Last evaluated: 2025-05-19. Review status: criteria provided, single submitter. Criteria: Invitae Variant Classification Sherloc (09022015). Collection method: clinical testing. Allele origin: germline.
Comment: This sequence change replaces proline, which is neutral and non-polar, with threonine, which is neutral and polar, at codon 79 of the MEN1 protein (p.Pro79Thr). This variant is not present in population databases (gnomAD no frequency). This variant has not been reported in the literature in individuals affected with MEN1-related conditions. Invitae Evidence Modeling of protein sequence and biophysical properties (such as structural, functional, and spatial information, amino acid conservation, physicochemical variation, residue mobility, and thermodynamic stability) indicates that this missense variant is expected to disrupt MEN1 protein function with a positive predictive value of 95%. In summary, the available evidence is currently insufficient to determine the role of this variant in disease. Therefore, it has been classified as a Variant of Uncertain Significance.

NM_001370259.2(MEN1):c.235C>A (p.Pro79Thr)

Gene: MEN1 (menin 1; minus strand). Cytogenetic location: 11q13.1.
Variant type: single nucleotide variant.
Coding change: c.235C>A on transcript NM_001370259.2 (MANE Select); coding-DNA position 235, C replaced by A.
Protein change: p.Pro79Thr; replaces proline 79 with threonine.
Molecular consequence: missense variant. On other transcripts: non-coding transcript variant (4).
Genome position (GRCh38, 1-based): chr11:64,809,875, G>T on the plus strand (C>A on the coding strand, the complement: MEN1 is on the minus strand). VCF-style: chr11-64809875-G-T. GRCh37 (hg19) VCF-style: chr11-64577347-G-T.
Other names: c.235C>A, p.Pro79Thr (NM_001407146.1, NM_001407147.1, NM_001407148.1 and 20 more transcripts); short protein forms P79T.
Identifiers: ClinVar variation 4800432 (VCV004800432.1).
Genomic context (GRCh38, chr11:64,809,875, plus strand): 5'-CTCGGATCTGGGCGGTGAAGCGGGCATAGAGGGCGGCGATGATAGACAGGTCGGCCACGG[G>T]AAAGTAGGTGAGGCCGCCAGGCGGGTCGGGGGCGGGGCTGGGCTGGAAGGTGAGCTCGGG-3'
Protein context (NP_001357188.2, residues 69-89): PDPPGGLTYF[Pro79Thr]VADLSIIAAL